The following is an entry in ClinVar:

ClinVar aggregate classification (germline): Uncertain significance (1 of 4 stars; one submission).

Allele frequency attached by ClinVar (database versions not stated): ExAC 0.00002; gnomAD 0.00003; TOPMed 0.00011; 1000 Genomes Project 0.00040; 1000 Genomes Project 30x 0.00047.
gnomAD v4.1: 9 of 1,613,418 alleles (0.00056%); highest among the groups gnomAD compares: Admixed American, 0.0083%; no homozygotes.

Submission:

Labcorp Genetics (formerly Invitae), Labcorp
Classification: Uncertain significance. Last evaluated: 2024-01-02. Review status: criteria provided, single submitter. Criteria: Invitae Variant Classification Sherloc (09022015). Collection method: clinical testing. Allele origin: germline.
Comment: This sequence change replaces alanine, which is neutral and non-polar, with valine, which is neutral and non-polar, at codon 283 of the CASZ1 protein (p.Ala283Val). This variant is present in population databases (rs201288126, gnomAD 0.006%). This variant has not been reported in the literature in individuals affected with CASZ1-related conditions. An algorithm developed to predict the effect of missense changes on protein structure and function (PolyPhen-2) suggests that this variant is likely to be tolerated. In summary, the available evidence is currently insufficient to determine the role of this variant in disease. Therefore, it has been classified as a Variant of Uncertain Significance.

NM_001079843.3(CASZ1):c.848C>T (p.Ala283Val)

Gene: CASZ1 (castor zinc finger 1; minus strand). Cytogenetic location: 1p36.22.
Variant type: single nucleotide variant.
Coding change: c.848C>T on transcript NM_001079843.3 (MANE Select); coding-DNA position 848, C replaced by T.
Protein change: p.Ala283Val; replaces alanine 283 with valine.
Molecular consequence: missense variant.
Genome position (GRCh38, 1-based): chr1:10,660,194, G>A on the plus strand (C>T on the coding strand, the complement: CASZ1 is on the minus strand). VCF-style: chr1-10660194-G-A. GRCh37 (hg19) VCF-style: chr1-10720251-G-A.
Other names: c.848C>T, p.Ala283Val (NM_017766.5); short protein forms A283V.
Identifiers: ClinVar variation 2732281 (VCV002732281.3), dbSNP rs201288126, ClinGen allele CA585294.
Genomic context (GRCh38, chr1:10,660,194, plus strand): 5'-TGCATCTGGACACTGCTGTGCGACGGCAGGGGCAGGATGGTGGCCTTGGTCTCCAGGTGG[G>A]CCGTGCTGCTGGGCAGCCGCAGGCCGGGCAGGGTGCCCACCACCTCCTTGCCCACCCGCT-3'
Protein context (NP_001073312.1, residues 273-293): LPGLRLPSST[Ala283Val]HLETKATILP